The following is an entry in ClinVar:

NM_032271.3(TRAF7):c.447G>T (p.Thr149=)

Gene: TRAF7 (TNF receptor associated factor 7; plus strand). Cytogenetic location: 16p13.3.
Variant type: single nucleotide variant.
Coding change: c.447G>T on transcript NM_032271.3 (MANE Select); coding-DNA position 447, G replaced by T.
Protein change: p.Thr149=; no amino-acid change (threonine 149 retained).
Molecular consequence: synonymous variant.
Genome position (GRCh38, 1-based): chr16:2,171,577, G>T. VCF-style: chr16-2171577-G-T. GRCh37 (hg19) VCF-style: chr16-2221578-G-T.
Identifiers: ClinVar variation 4875173 (VCV004875173.2).

ClinVar aggregate classification (germline): Likely benign (1 of 4 stars; one submission).

Submission:

CeGaT Center for Human Genetics Tuebingen
Classification: Likely benign. Last evaluated: 2026-06-01. Review status: criteria provided, single submitter. Criteria: CeGaT Center For Human Genetics Tuebingen Variant Classification Criteria Version 2. Collection method: clinical testing. Allele origin: germline. Affected: yes. Observed: 1 variant allele.
Comment: TRAF7: PM2:Supporting, BP4, BP7